The following is an entry in ClinVar:

NM_001321075.3(DLG4):c.1751C>T (p.Ser584Leu)

Gene: DLG4 (discs large MAGUK scaffold protein 4; minus strand). Cytogenetic location: 17p13.1.
Variant type: single nucleotide variant.
Coding change: c.1751C>T on transcript NM_001321075.3 (MANE Select); coding-DNA position 1751, C replaced by T.
Protein change: p.Ser584Leu; replaces serine 584 with leucine.
Molecular consequence: missense variant. On other transcripts: non-coding transcript variant (1).
Genome position (GRCh38, 1-based): chr17:7,193,060, G>A on the plus strand (C>T on the coding strand, the complement: DLG4 is on the minus strand). VCF-style: chr17-7193060-G-A. GRCh37 (hg19) VCF-style: chr17-7096379-G-A.
Other names: c.1742C>T, p.Ser581Leu (NM_001128827.4); c.1871C>T, p.Ser624Leu (NM_001321074.1); c.1571C>T, p.Ser524Leu (NM_001321076.3, NM_001321077.3); c.1880C>T, p.Ser627Leu (NM_001365.5); c.1670C>T, p.Ser557Leu (NM_001369566.3); short protein forms S524L, S557L, S581L, S584L, S624L, S627L.
Identifiers: ClinVar variation 3051099 (VCV003051099.17), dbSNP rs200038855, ClinGen allele CA8336846.

ClinVar aggregate classification (germline): Likely benign. Review status: criteria provided, multiple submitters, no conflicts (2 of 4 stars). 3 submissions from 3 submitters: Likely benign (2). 1 of the submissions does not count toward it. Last evaluated 2025-02-16.

Conditions:
DLG4-related disorder. Also called: DLG4-related condition.

Allele frequency attached by ClinVar (database versions not stated): gnomAD exomes 0.00035; TOPMed 0.00038; ExAC 0.00039; ESP Exome Variant Server 0.00040; gnomAD 0.00046.
gnomAD v4.1: 592 of 1,613,628 alleles (0.037%); highest among the groups gnomAD compares: Admixed American, 0.07%; no homozygotes.

Submissions (3):

Laboratory of Genetics, Children's Clinical University Hospital Latvia
Classification: Likely benign. Last evaluated: 2025-02-16. Review status: criteria provided, single submitter. Criteria: ACMG Guidelines, 2015. Collection method: clinical testing. Allele origin: germline. Affected: yes.

CeGaT Center for Human Genetics Tuebingen
Classification: Likely benign. Last evaluated: 2024-11-01. Review status: criteria provided, single submitter. Criteria: CeGaT Center For Human Genetics Tuebingen Variant Classification Criteria Version 2. Collection method: clinical testing. Allele origin: germline. Affected: yes. Observed: 1 variant allele.
Comment: DLG4: PP2, BP4, BS2

PreventionGenetics, part of Exact Sciences
Classification: Likely benign for DLG4-related condition. Last evaluated: 2022-03-08. Review status: no assertion criteria provided. Collection method: clinical testing. Allele origin: germline. Not counted in ClinVar's aggregate classification.
Comment: This variant is classified as likely benign based on ACMG/AMP sequence variant interpretation guidelines (Richards et al. 2015 PMID: 25741868, with internal and published modifications).